The following is an entry in ClinVar:

ClinVar aggregate classification (germline): Likely pathogenic (1 of 4 stars; one submission).

Conditions:
Autosomal dominant nonsyndromic hearing loss 15 (DFNA15). Also called: DEAFNESS, AUTOSOMAL DOMINANT 52; Autosomal dominant nonsyndromic hearing loss 52. Identifiers: Orphanet 90635, MedGen C1865366, MONDO:0011226, OMIM 602459.

Submission:

Institute of Rare Diseases, West China Hospital, Sichuan University
Classification: Likely pathogenic for Autosomal dominant nonsyndromic hearing loss 15. Last evaluated: 2025-01-09. Review status: criteria provided, single submitter. Criteria: ClinGen HL ACMG Specifications v1. Collection method: research. Allele origin: germline. Affected: yes.
Comment: PVS1;PM2_Supporting

NM_002700.3(POU4F3):c.97C>T (p.Arg33Ter)

Genes: POU4F3 (POU class 4 homeobox 3; plus strand), RBM27-POU4F3 (RBM27-POU4F3 readthrough; plus strand). Cytogenetic location: 5q32.
Variant type: single nucleotide variant.
Coding change: c.97C>T on transcript NM_002700.3 (MANE Select); coding-DNA position 97, C replaced by T.
Protein change: p.Arg33Ter; replaces arginine 33 with a stop codon.
Molecular consequence: nonsense. On other transcripts: missense variant (1).
Genome position (GRCh38, 1-based): chr5:146,339,209, C>T. VCF-style: chr5-146339209-C-T. GRCh37 (hg19) VCF-style: chr5-145718772-C-T.
Other names: c.2930C>T, p.Pro977Leu (NM_001414499.1); short protein forms P977L, R33*.
Identifiers: ClinVar variation 3601702 (VCV003601702.1).